The following is an entry in ClinVar:

NM_000548.5(TSC2):c.4441A>G (p.Lys1481Glu)

Gene: TSC2 (TSC complex subunit 2; plus strand). Cytogenetic location: 16p13.3.
Variant type: single nucleotide variant.
Coding change: c.4441A>G on transcript NM_000548.5 (MANE Select); coding-DNA position 4441, A replaced by G.
Protein change: p.Lys1481Glu; replaces lysine 1481 with glutamic acid.
Molecular consequence: missense variant.
Genome position (GRCh38, 1-based): chr16:2,084,663, A>G. VCF-style: chr16-2084663-A-G. GRCh37 (hg19) VCF-style: chr16-2134664-A-G.
Other names: c.4312A>G, p.Lys1438Glu (NM_021055.3, NM_001370405.1); c.4309A>G, p.Lys1437Glu (NM_001370404.1); c.4240A>G, p.Lys1414Glu (NM_001077183.3); c.4372A>G, p.Lys1458Glu (NM_001114382.3); c.4132A>G, p.Lys1378Glu (NM_001318827.2); c.4096A>G, p.Lys1366Glu (NM_001318829.2); c.3709A>G, p.Lys1237Glu (NM_001318831.2); c.4273A>G, p.Lys1425Glu (NM_001318832.2); and 1 more; short protein forms K1366E, K1237E, K1378E, K1425E, K1438E, K1415E, K1481E, K1414E.
Identifiers: ClinVar variation 654637 (VCV000654637.8), dbSNP rs1596418520, ClinGen allele CA394302327.

ClinVar aggregate classification (germline): Uncertain significance (1 of 4 stars; one submission).

Conditions:
Tuberous sclerosis 2 (TSC2). Identifiers: Orphanet 805, MedGen C1860707, MONDO:0013199, OMIM 613254.

Allele frequency attached by ClinVar (database versions not stated): gnomAD exomes below 0.00001.
gnomAD v4.1: 1 of 1,598,816 alleles (0.000063%); highest among the groups gnomAD compares: Non-Finnish European, 0.000085%; no homozygotes.

Submission:

Labcorp Genetics (formerly Invitae), Labcorp
Classification: Uncertain significance for Tuberous sclerosis 2. Last evaluated: 2018-07-10. Review status: criteria provided, single submitter. Criteria: Invitae Variant Classification Sherloc (09022015). Collection method: clinical testing. Allele origin: germline.
Comment: In summary, the available evidence is currently insufficient to determine the role of this variant in disease. Therefore, it has been classified as a Variant of Uncertain Significance. Algorithms developed to predict the effect of missense changes on protein structure and function (SIFT, PolyPhen-2, Align-GVGD) all suggest that this variant is likely to be tolerated, but these predictions have not been confirmed by published functional studies and their clinical significance is uncertain. This variant has not been reported in the literature in individuals with TSC2-related disease. This variant is not present in population databases (ExAC no frequency). This sequence change replaces lysine with glutamic acid at codon 1481 of the TSC2 protein (p.Lys1481Glu). The lysine residue is moderately conserved and there is a small physicochemical difference between lysine and glutamic acid.